The following is an entry in ClinVar:

ClinVar aggregate classification (germline): Uncertain significance (1 of 4 stars; one submission).

Conditions:
Neurodevelopmental disorder with hypotonia, stereotypic hand movements, and impaired language. Also called: Intellectual disability, autosomal dominant 20. Identifiers: Orphanet 228384, Orphanet 664410, MedGen C3150700, MONDO:0013266, OMIM 613443.

Submission:

Labcorp Genetics (formerly Invitae), Labcorp
Classification: Uncertain significance for Neurodevelopmental disorder with hypotonia, stereotypic hand movements, and impaired language. Last evaluated: 2022-10-03. Review status: criteria provided, single submitter. Criteria: Invitae Variant Classification Sherloc (09022015). Collection method: clinical testing. Allele origin: germline.
Comment: In summary, the available evidence is currently insufficient to determine the role of this variant in disease. Therefore, it has been classified as a Variant of Uncertain Significance. Advanced modeling of protein sequence and biophysical properties (such as structural, functional, and spatial information, amino acid conservation, physicochemical variation, residue mobility, and thermodynamic stability) performed at Invitae indicates that this missense variant is expected to disrupt MEF2C protein function. ClinVar contains an entry for this variant (Variation ID: 1059499). This variant has not been reported in the literature in individuals affected with MEF2C-related conditions. This variant is not present in population databases (gnomAD no frequency). This sequence change replaces threonine, which is neutral and polar, with isoleucine, which is neutral and non-polar, at codon 20 of the MEF2C protein (p.Thr20Ile).

NM_002397.5(MEF2C):c.59C>T (p.Thr20Ile)

Gene: MEF2C (myocyte enhancer factor 2C; minus strand). Cytogenetic location: 5q14.3.
Variant type: single nucleotide variant.
Coding change: c.59C>T on transcript NM_002397.5 (MANE Select); coding-DNA position 59, C replaced by T.
Protein change: p.Thr20Ile; replaces threonine 20 with isoleucine.
Molecular consequence: missense variant.
Genome position (GRCh38, 1-based): chr5:88,804,797, G>A on the plus strand (C>T on the coding strand, the complement: MEF2C is on the minus strand). VCF-style: chr5-88804797-G-A. GRCh37 (hg19) VCF-style: chr5-88100614-G-A.
Other names: c.59C>T, p.Thr20Ile (NM_001131005.2, NM_001193347.1, NM_001193348.1 and 29 more transcripts); short protein forms T20I.
Identifiers: ClinVar variation 1059499 (VCV001059499.9), dbSNP rs2153075088, ClinGen allele CA360425217.